The following is an entry in ClinVar:

NM_002878.4(RAD51D):c.904-14A>T

Genes: RAD51D (RAD51 paralog D; minus strand), RAD51L3-RFFL (RAD51L3-RFFL readthrough; minus strand). Cytogenetic location: 17q12.
Variant type: single nucleotide variant.
Coding change: c.904-14A>T on transcript NM_002878.4 (MANE Select); 14 bases into the intron before coding-DNA position 904, A replaced by T.
Molecular consequence: intron variant.
Genome position (GRCh38, 1-based): chr17:35,101,050, T>A on the plus strand (A>T on the coding strand, the complement: RAD51D is on the minus strand). VCF-style: chr17-35101050-T-A. GRCh37 (hg19) VCF-style: chr17-33428069-T-A.
Other names: c.568-14A>T (NM_133629.3); c.964-14A>T (NM_001142571.2).
Identifiers: ClinVar variation 2024384 (VCV002024384.5), dbSNP rs2142409569, ClinGen allele CA2580093436.

ClinVar aggregate classification (germline): Likely benign. Review status: criteria provided, multiple submitters, no conflicts (2 of 4 stars). 2 submissions from 2 submitters: Likely benign (2). Last evaluated 2025-02-25.

Conditions:
Breast-ovarian cancer, familial, susceptibility to, 4. Identifiers: Orphanet 145, MedGen C3280345, MONDO:0013669, OMIM 614291.

Submissions (2):

Myriad Genetics, Inc.
Classification: Likely benign for Breast-ovarian cancer, familial, susceptibility to, 4. Last evaluated: 2025-02-25. Review status: criteria provided, single submitter. Criteria: Myriad Autosomal Dominant, Autosomal Recessive and X-Linked Classification Criteria (2023). Collection method: clinical testing. Allele origin: unknown.
Comment: This variant is considered likely benign. This variant is intronic and is not expected to impact mRNA splicing.

Labcorp Genetics (formerly Invitae), Labcorp
Classification: Likely benign for Breast-ovarian cancer, familial, susceptibility to, 4. Last evaluated: 2024-04-13. Review status: criteria provided, single submitter. Criteria: Invitae Variant Classification Sherloc (09022015). Collection method: clinical testing. Allele origin: germline.